The following is an entry in ClinVar:

ClinVar aggregate classification (germline): Conflicting classifications of pathogenicity. Review status: criteria provided, conflicting classifications (1 of 4 stars). 2 submissions from 2 submitters: Uncertain significance (1); Likely benign (1). Last evaluated 2025-10-30.

Conditions:
Hereditary cancer-predisposing syndrome. Also called: Neoplastic Syndromes, Hereditary; Hereditary Cancer Syndrome; Tumor predisposition; Hereditary neoplastic syndrome. Identifiers: Orphanet 140162, MedGen C0027672, MeSH D009386, MONDO:0015356.

Allele frequency attached by ClinVar (database versions not stated): gnomAD 0.00001; gnomAD exomes 0.00001; ExAC 0.00002; 1000 Genomes Project 30x 0.00016; 1000 Genomes Project 0.00020.

Submissions (2):

Labcorp Genetics (formerly Invitae), Labcorp
Classification: Uncertain significance. Last evaluated: 2025-10-30. Review status: criteria provided, single submitter. Criteria: Invitae Variant Classification Sherloc (09022015). Collection method: clinical testing. Allele origin: germline.
Comment: This sequence change replaces arginine, which is basic and polar, with histidine, which is basic and polar, at codon 123 of the HOXB13 protein (p.Arg123His). This variant is present in population databases (rs201428095, gnomAD 0.007%). This variant has not been reported in the literature in individuals affected with HOXB13-related conditions. ClinVar contains an entry for this variant (Variation ID: 1937625). Invitae Evidence Modeling of protein sequence and biophysical properties (such as structural, functional, and spatial information, amino acid conservation, physicochemical variation, residue mobility, and thermodynamic stability) indicates that this missense variant is not expected to disrupt HOXB13 protein function with a negative predictive value of 80%. In summary, the available evidence is currently insufficient to determine the role of this variant in disease. Therefore, it has been classified as a Variant of Uncertain Significance.

Ambry Genetics
Classification: Likely benign for Hereditary cancer-predisposing syndrome. Last evaluated: 2024-10-04. Review status: criteria provided, single submitter. Criteria: Ambry Variant Classification Scheme 2023. Collection method: clinical testing. Allele origin: germline.

NM_006361.6(HOXB13):c.368G>A (p.Arg123His)

Gene: HOXB13 (homeobox B13; minus strand). Cytogenetic location: 17q21.32.
Variant type: single nucleotide variant.
Coding change: c.368G>A on transcript NM_006361.6 (MANE Select); coding-DNA position 368, G replaced by A.
Protein change: p.Arg123His; replaces arginine 123 with histidine.
Molecular consequence: missense variant.
Genome position (GRCh38, 1-based): chr17:48,728,226, C>T on the plus strand (G>A on the coding strand, the complement: HOXB13 is on the minus strand). VCF-style: chr17-48728226-C-T. GRCh37 (hg19) VCF-style: chr17-46805588-C-T.
Other names: short protein forms R123H.
Identifiers: ClinVar variation 1937625 (VCV001937625.6), dbSNP rs201428095, ClinGen allele CA8633997.